The following is an entry in ClinVar:

ClinVar aggregate classification (germline): Pathogenic/Likely pathogenic. Review status: criteria provided, multiple submitters, no conflicts (2 of 4 stars). 4 submissions from 4 submitters: Pathogenic (3); Likely pathogenic (1). Last evaluated 2026-03-25.

Conditions:
Very long chain acyl-CoA dehydrogenase deficiency (ACADVLD). Also called: VLCAD Deficiency; Very Long-Chain Acyl-Coenzyme A Dehydrogenase Deficiency. Identifiers: Orphanet 26793, MedGen C3887523, MONDO:0008723, OMIM 201475.

Submissions (4):

Myriad Genetics, Inc.
Classification: Pathogenic for Very long chain acyl-CoA dehydrogenase deficiency. Last evaluated: 2026-03-25. Review status: criteria provided, single submitter. Criteria: Myriad Autosomal Dominant, Autosomal Recessive and X-Linked Classification Criteria (2023). Collection method: clinical testing. Allele origin: unknown.
Comment: NM_000018.3(ACADVL):c.294_297delGACA(Q98Hfs*18) is a frameshift variant classified as pathogenic in the context of very-long-chain acyl-CoA dehydrogenase deficiency. Q98Hfs*18 has been observed in a case with relevant disease (PMID: 27209629). Relevant functional assessments of this variant are not available in the literature. Q98Hfs*18 has not been observed in referenced population frequency databases. In summary, NM_000018.3(ACADVL):c.294_297delGACA(Q98Hfs*18) is a frameshift variant in a gene where loss of function is a known mechanism of disease, is predicted to disrupt protein function, and has been observed more frequently in cases with the relevant disease than in healthy populations. Please note: this variant was assessed in the context of healthy population screening.

Labcorp Genetics (formerly Invitae), Labcorp
Classification: Pathogenic for Very long chain acyl-CoA dehydrogenase deficiency. Last evaluated: 2024-05-07. Review status: criteria provided, single submitter. Criteria: Invitae Variant Classification Sherloc (09022015). Collection method: clinical testing. Allele origin: germline.
Comment: This sequence change creates a premature translational stop signal (p.Gln98Hisfs*18) in the ACADVL gene. It is expected to result in an absent or disrupted protein product. Loss-of-function variants in ACADVL are known to be pathogenic (PMID: 9973285, 11590124). This variant is not present in population databases (gnomAD no frequency). This premature translational stop signal has been observed in individual(s) with very long-chain acyl-CoA dehydrogenase deficiency (PMID: 27209629). ClinVar contains an entry for this variant (Variation ID: 932876). For these reasons, this variant has been classified as Pathogenic.

GeneDx
Classification: Pathogenic. Last evaluated: 2023-12-10. Review status: criteria provided, single submitter. Criteria: GeneDx Variant Classification Process June 2021. Collection method: clinical testing. Allele origin: germline. Affected: yes.
Comment: Frameshift variant predicted to result in protein truncation or nonsense mediated decay in a gene for which loss of function is a known mechanism of disease; Not observed at significant frequency in large population cohorts (gnomAD); This variant is associated with the following publications: (PMID: 27209629)

Wong Mito Lab, Molecular and Human Genetics, Baylor College of Medicine
Classification: Likely pathogenic for Very long chain acyl-CoA dehydrogenase deficiency. Last evaluated: 2019-11-01. Review status: criteria provided, single submitter. Criteria: ACMG Guidelines, 2015. Collection method: clinical testing. Allele origin: germline.
Comment: The NM_000018.3:c.294_297del4 (NP_000009.1:p.Gln98HisfsTer18) [GRCH38: NC_000017.11:g.7220782_7220785del] variant in ACADVL gene is interpretated to be Likely pathogenic based on ACMG guidelines (PMID: 25741868). This variant has been reported. This variant meets the following evidence codes reported in the ACMG guidelines: PVS1, PM1

Literature cited by the submitters: PubMed 27209629 (cited by Myriad Genetics, Inc. and Labcorp Genetics (formerly Invitae), Labcorp); PubMed 9973285 (cited by Labcorp Genetics (formerly Invitae), Labcorp); PubMed 11590124 (cited by Labcorp Genetics (formerly Invitae), Labcorp).

NM_000018.4(ACADVL):c.294_297del (p.Gln98fs)

Gene: ACADVL (acyl-CoA dehydrogenase very long chain; plus strand). Cytogenetic location: 17p13.1.
Variant type: Deletion.
Coding change: c.294_297del on transcript NM_000018.4 (MANE Select); coding-DNA positions 294 to 297, 4 bases deleted (GACA; older notation c.294_297delGACA).
Protein change: p.Gln98fs; shifts the reading frame from glutamine 98.
Molecular consequence: frameshift variant.
Genome position (GRCh38, 1-based): chr17:7,220,782-7,220,785, GACA deleted; deleting any 4 consecutive bases within chr17:7,220,780-7,220,785 gives the same sequence; the c. name uses the placement nearest the transcript's 3' end. VCF-style (leftmost placement, unchanged base first): chr17-7220779-GCAGA-G. GRCh37 (hg19) VCF-style: chr17-7124098-GCAGA-G.
Other names: c.294_297del (NM_000018.2); c.228_231del, p.Gln76fs (NM_001033859.3); c.363_366del, p.Gln121fs (NM_001270447.2); c.66_69del, p.Gln22fs (NM_001270448.2); short protein forms Q76fs, Q98fs, Q121fs, Q22fs.
Identifiers: ClinVar variation 932876 (VCV000932876.8), dbSNP rs2071168842, ClinGen allele CA658655603.